The following is an entry in ClinVar:

NM_001256071.3(RNF213):c.8084C>T (p.Ala2695Val)

Gene: RNF213 (ring finger protein 213; plus strand). Cytogenetic location: 17q25.3.
Variant type: single nucleotide variant.
Coding change: c.8084C>T on transcript NM_001256071.3 (MANE Select); coding-DNA position 8084, C replaced by T.
Protein change: p.Ala2695Val; replaces alanine 2695 with valine.
Molecular consequence: missense variant.
Genome position (GRCh38, 1-based): chr17:80,346,419, C>T. VCF-style: chr17-80346419-C-T. GRCh37 (hg19) VCF-style: chr17-78320219-C-T.
Other names: p.Ala2695Val; c.8231C>T, p.Ala2744Val (NM_001410195.1, NM_020914.5); short protein forms A2695V, A2744V.
Identifiers: ClinVar variation 2648419 (VCV002648419.27), dbSNP rs202096577, ClinGen allele CA8820875.

ClinVar aggregate classification (germline): Conflicting classifications of pathogenicity. Review status: criteria provided, conflicting classifications (1 of 4 stars). 3 submissions from 3 submitters: Uncertain significance (1); Likely benign (2). Last evaluated 2026-05-01.

Allele frequency attached by ClinVar (database versions not stated): 1000 Genomes Project 30x 0.00016; 1000 Genomes Project 0.00020; ESP Exome Variant Server 0.00038; gnomAD exomes 0.00039; gnomAD 0.00046; ExAC 0.00059; TOPMed 0.00067.
gnomAD v4.1: 665 of 1,613,492 alleles (0.041%); highest among the groups gnomAD compares: Middle Eastern, 0.18%; 1 homozygote.

Submissions (3):

CeGaT Center for Human Genetics Tuebingen
Classification: Likely benign. Last evaluated: 2026-05-01. Review status: criteria provided, single submitter. Criteria: CeGaT Center For Human Genetics Tuebingen Variant Classification Criteria Version 2. Collection method: clinical testing. Allele origin: germline. Affected: yes. Observed: 3 variant alleles.
Comment: RNF213: BP4

Labcorp Genetics (formerly Invitae), Labcorp
Classification: Likely benign. Last evaluated: 2025-11-21. Review status: criteria provided, single submitter. Criteria: Invitae Variant Classification Sherloc (09022015). Collection method: clinical testing. Allele origin: germline.

Mayo Clinic Laboratories, Mayo Clinic
Classification: Uncertain significance. Last evaluated: 2025-01-20. Review status: criteria provided, single submitter. Criteria: ACMG Guidelines, 2015. Collection method: clinical testing. Allele origin: germline. Observed: 1 variant allele.

Literature cited by the submitters: PubMed 32367296 (cited by Mayo Clinic Laboratories, Mayo Clinic); PubMed 36660619 (cited by Mayo Clinic Laboratories, Mayo Clinic).